The following is an entry in ClinVar:

NM_000152.5(GAA):c.-32-686A>G

Gene: GAA (alpha glucosidase; plus strand). Cytogenetic location: 17q25.3.
Variant type: single nucleotide variant.
Coding change: c.-32-686A>G on transcript NM_000152.5 (MANE Select); 686 bases into the intron before 32 bases upstream of the start codon, A replaced by G.
Molecular consequence: intron variant.
Genome position (GRCh38, 1-based): chr17:80,103,869, A>G. VCF-style: chr17-80103869-A-G. GRCh37 (hg19) VCF-style: chr17-78077668-A-G.
Other names: c.-32-686A>G (NM_001406741.1, NM_001406742.1, NM_001079803.3 and 1 more transcripts).
Identifiers: ClinVar variation 4876406 (VCV004876406.1).
Genomic context (GRCh38, chr17:80,103,869, plus strand): 5'-GTGTCACCCTCAGCTGCGGTGCCCAGGATTCCCCACTGTGGTATGTCCGTGCACCAGTCA[A>G]TAGGAAAGGGAGCAAGGAAAGGTACTGGGTCCCCCTAAGGACATACGAGTTGCCAGAATC-3'

ClinVar aggregate classification (germline): Likely benign (1 of 4 stars; one submission).

Conditions:
Glycogen storage disease, type II (IOPD). Also called: Pompe Disease; CARDIOMEGALIA GLYCOGENICA DIFFUSA; GLYCOGENOSIS, GENERALIZED, CARDIAC FORM; GSD II; POMPE DISEASE, INFANTILE-ONSET; GLYCOGEN STORAGE DISEASE II, INFANTILE-ONSET. Identifiers: Orphanet 365, MedGen C0017921, MONDO:0009290, OMIM 232300.

Submission:

Genomenon, Inc
Classification: Likely benign for Glycogen storage disease, type II. Last evaluated: 2026-07-01. Review status: criteria provided, single submitter. Criteria: Genomenon Sequence Variant Interpretation Standards - Updated. Collection method: curation. Allele origin: germline. Affected: no.
Comment: GAA c.-32-686A>G is an intronic variant located in the 5′ untranslated region (5′ UTR). This variant has been reported in the published literature (PMID:33560568). This variant is not predicted to impact splicing. In conclusion, we classify GAA c.-32-686A>G as a likely benign variant.

Literature cited by the submitters: PubMed 33560568.